The following is an entry in ClinVar:

ClinVar aggregate classification (germline): Uncertain significance. Review status: criteria provided, single submitter (1 of 4 stars). 2 submissions from 2 submitters: Uncertain significance (1). 1 of the submissions does not count toward it. Last evaluated 2022-03-01.

Conditions:
Alstrom syndrome (ALMS). Identifiers: Orphanet 64, MedGen C0268425, MONDO:0008763, OMIM 203800.

Allele frequency attached by ClinVar (database versions not stated): gnomAD exomes below 0.00001.
gnomAD v4.1: 7 of 1,614,176 alleles (0.00043%); highest among the groups gnomAD compares: Non-Finnish European, 0.00059%; no homozygotes.

Submissions (2):

Labcorp Genetics (formerly Invitae), Labcorp
Classification: Uncertain significance for Alstrom syndrome. Last evaluated: 2022-03-01. Review status: criteria provided, single submitter. Criteria: Invitae Variant Classification Sherloc (09022015). Collection method: clinical testing. Allele origin: germline.
Comment: This sequence change replaces aspartic acid, which is acidic and polar, with glutamic acid, which is acidic and polar, at codon 3142 of the ALMS1 protein (p.Asp3142Glu). This variant is present in population databases (no rsID available, gnomAD 0.0009%). This variant has not been reported in the literature in individuals affected with ALMS1-related conditions. ClinVar contains an entry for this variant (Variation ID: 648097). In summary, the available evidence is currently insufficient to determine the role of this variant in disease. Therefore, it has been classified as a Variant of Uncertain Significance.

Natera, Inc.
Classification: Uncertain significance for Alstrom syndrome. Last evaluated: 2020-09-16. Review status: no assertion criteria provided. Collection method: clinical testing. Allele origin: germline. Not counted in ClinVar's aggregate classification.

NM_001378454.1(ALMS1):c.9423C>G (p.Asp3141Glu)

Gene: ALMS1 (ALMS1 centrosome and basal body associated protein; plus strand). Cytogenetic location: 2p13.1.
Variant type: single nucleotide variant.
Coding change: c.9423C>G on transcript NM_001378454.1 (MANE Select); coding-DNA position 9423, C replaced by G.
Protein change: p.Asp3141Glu; replaces aspartic acid 3141 with glutamic acid.
Molecular consequence: missense variant.
Genome position (GRCh38, 1-based): chr2:73,491,382, C>G. VCF-style: chr2-73491382-C-G. GRCh37 (hg19) VCF-style: chr2-73718509-C-G.
Other names: c.9426C>G, p.Asp3142Glu (NM_015120.4); short protein forms D3142E, D3141E.
Identifiers: ClinVar variation 648097 (VCV000648097.5), dbSNP rs1486652095, ClinGen allele CA347274890.